The following is an entry in ClinVar:

NM_000059.4(BRCA2):c.2570dup (p.Arg858fs)

Gene: BRCA2 (BRCA2 DNA repair associated; plus strand). Cytogenetic location: 13q13.1.
Variant type: Duplication.
Coding change: c.2570dup on transcript NM_000059.4 (MANE Select); coding-DNA position 2570, one base duplicated (T; older notation c.2570dupT).
Protein change: p.Arg858fs; shifts the reading frame from arginine 858.
Molecular consequence: frameshift variant.
Genome position (GRCh38, 1-based): chr13:32,336,925, T duplicated. VCF-style (leftmost placement, unchanged base first): chr13-32336924-C-CT. GRCh37 (hg19) VCF-style: chr13-32911061-C-CT.
Other names: c.2570dupT (NM_000059.3); short protein forms R858fs.
Identifiers: ClinVar variation 142288 (VCV000142288.27), dbSNP rs587782361, ClinGen allele CA167960.
Genomic context (GRCh38, chr13:32,336,924, plus strand): 5'-GAAAAATACATGAGAGTAGCATCACCTTCAAGAAAGGTACAATTCAACCAAAACACAAAT[C>CT]TAAGAGTAATCCAAAAAAATCAAGAAGAAACTACTTCAATTTCAAAAATAACTGTCAATC-3'

ClinVar aggregate classification (germline): Pathogenic. Review status: reviewed by expert panel (3 of 4 stars). 9 submissions from 9 submitters: Pathogenic (1). 8 of the submissions do not count toward it. Last evaluated 2016-09-08.

Conditions:
Hereditary cancer-predisposing syndrome. Also called: Neoplastic Syndromes, Hereditary; Hereditary Cancer Syndrome; Hereditary neoplastic syndrome; Tumor predisposition. Identifiers: Orphanet 140162, MedGen C0027672, MeSH D009386, MONDO:0015356.
Hereditary breast ovarian cancer syndrome. Also called: Hereditary breast and ovarian cancer syndrome; Hereditary breast and/or ovarian cancer syndrome; BRCA1- and BRCA2-Associated Hereditary Breast and Ovarian Cancer; Hereditary breast and ovarian cancer; Breast and ovarian cancer; Hereditary breast and ovarian cancer syndrome (HBOC). Identifiers: Orphanet 145, MedGen C0677776, MeSH D061325, MONDO:0003582. Disease mechanism: loss of function.
Breast-ovarian cancer, familial, susceptibility to, 2 (BROVCA2). Also called: BRCA2 Hereditary Breast and Ovarian Cancer. Identifiers: Orphanet 145, MedGen C2675520, MONDO:0012933, OMIM 612555. Disease mechanism: loss of function.
Familial cancer of breast. Also called: Hereditary breast cancer; hereditary breast carcinoma; BREAST CANCER, FAMILIAL. Identifiers: Orphanet 227535, MedGen C0346153, MONDO:0016419, OMIM 114480. Disease mechanism: loss of function.

Submissions (9):

Evidence-based Network for the Interpretation of Germline Mutant Alleles (ENIGMA)
Classification: Pathogenic for Breast-ovarian cancer, familial, susceptibility to, 2. Last evaluated: 2016-09-08. Review status: reviewed by expert panel. Criteria: ENIGMA BRCA1/2 Classification Criteria (2015). Collection method: curation. Allele origin: germline.
Comment: Variant allele predicted to encode a truncated non-functional protein.

Ambry Genetics
Classification: Pathogenic for Hereditary cancer-predisposing syndrome. Last evaluated: 2024-11-20. Review status: criteria provided, single submitter. Criteria: Ambry Variant Classification Scheme 2023. Collection method: clinical testing. Allele origin: germline. Not counted in ClinVar's aggregate classification.
Comment: The c.2570dupT pathogenic mutation, located in coding exon 10 of the BRCA2 gene, results from a duplication of T at nucleotide position 2570, causing a translational frameshift with a predicted alternate stop codon (p.R858Kfs*23). This mutation has been identified in a cohort of Chinese breast cancer patients (Sun et al. Clin Cancer Res. 2017 Oct 15;23(20):6113-6119). This variant is considered to be rare based on population cohorts in the Genome Aggregation Database (gnomAD). In addition to the clinical data presented in the literature, this alteration is expected to result in loss of function by premature protein truncation or nonsense-mediated mRNA decay. As such, this alteration is interpreted as a disease-causing mutation.

Quest Diagnostics Nichols Institute San Juan Capistrano
Classification: Pathogenic. Last evaluated: 2024-11-17. Review status: criteria provided, single submitter. Criteria: Quest Diagnostics criteria. Collection method: clinical testing. Allele origin: unknown. Not counted in ClinVar's aggregate classification.
Comment: The BRCA2 c.2570dup (p.Arg858Lysfs*23) variant alters the translational reading frame of the BRCA2 mRNA and causes the premature termination of BRCA2 protein synthesis. This variant has been reported in the published literature in an individual with breast cancer (PMID: 28724667 (2017)). This variant has not been reported in large, multi-ethnic general populations (Genome Aggregation Database). Based on the available information, this variant is classified as pathogenic.

Labcorp Genetics (formerly Invitae), Labcorp
Classification: Pathogenic for Hereditary breast ovarian cancer syndrome. Last evaluated: 2024-04-02. Review status: criteria provided, single submitter. Criteria: Invitae Variant Classification Sherloc (09022015). Collection method: clinical testing. Allele origin: germline. Not counted in ClinVar's aggregate classification.
Comment: This sequence change creates a premature translational stop signal (p.Arg858Lysfs*23) in the BRCA2 gene. It is expected to result in an absent or disrupted protein product. Loss-of-function variants in BRCA2 are known to be pathogenic (PMID: 20104584). This variant is not present in population databases (gnomAD no frequency). This premature translational stop signal has been observed in individual(s) with breast cancer (PMID: 28724667). ClinVar contains an entry for this variant (Variation ID: 142288). For these reasons, this variant has been classified as Pathogenic.

Revvity Omics, Revvity
Classification: Pathogenic. Last evaluated: 2024-03-28. Review status: criteria provided, single submitter. Criteria: ACMG Guidelines, 2015. Collection method: clinical testing. Allele origin: germline. Not counted in ClinVar's aggregate classification.

Baylor Genetics
Classification: Pathogenic for Familial cancer of breast. Last evaluated: 2024-01-02. Review status: criteria provided, single submitter. Criteria: ACMG Guidelines, 2015. Collection method: clinical testing. Allele origin: unknown. Not counted in ClinVar's aggregate classification.

Color Diagnostics, LLC DBA Color Health
Classification: Pathogenic for Hereditary cancer-predisposing syndrome. Last evaluated: 2022-07-11. Review status: criteria provided, single submitter. Criteria: ACMG Guidelines, 2015. Collection method: clinical testing. Allele origin: germline. Not counted in ClinVar's aggregate classification.
Comment: This variant inserts 1 nucleotide in exon 11 of the BRCA2 gene, creating a frameshift and premature translation stop signal. This variant is expected to result in an absent or non-functional protein product. This variant has been reported in one individual affected with breast cancer (PMID: 28724667). This variant has not been identified in the general population by the Genome Aggregation Database (gnomAD). Loss of BRCA2 function is a known mechanism of disease. Based on the available evidence, this variant is classified as Pathogenic.

GeneDx
Classification: Pathogenic. Last evaluated: 2016-02-22. Review status: criteria provided, single submitter. Criteria: GeneDx Variant Classification (06012015). Collection method: clinical testing. Allele origin: germline. Affected: yes. Not counted in ClinVar's aggregate classification.
Comment: This duplication of one nucleotide in BRCA2 is denoted c.2570dupT at the cDNA level and p.Arg858LysfsX23 (R858KfsX23) at the protein level. Using alternate nomenclature, this variant would be defined as BRCA2 2798dupT. The normal sequence, with the base that is duplicated in brackets, is AATC[T]AAGA. The duplication causes a frameshift, which changes an Arginine to a Lysine at codon 858, and creates a premature stop codon at position 23 of the new reading frame. Although this variant has not, to our knowledge, been reported in the literature, it is predicted to cause loss of normal protein function through either protein truncation or nonsense-mediated mRNA decay. We consider this variant to be pathogenic.

Research Molecular Genetics Laboratory, Women's College Hospital, University of Toronto
Classification: Pathogenic for Hereditary breast ovarian cancer syndrome. Last evaluated: 2014-01-31. Review status: no assertion criteria provided. Collection method: research. Allele origin: germline. Affected: yes. Study: The Canadian Open Genetics Repository (COGR). Not counted in ClinVar's aggregate classification.

Literature cited by the submitters: PubMed 28724667 (cited by 3 submitters); PubMed 31825140 (cited by Quest Diagnostics Nichols Institute San Juan Capistrano); PubMed 20104584 (cited by Labcorp Genetics (formerly Invitae), Labcorp).